The following is an entry in ClinVar:

ClinVar aggregate classification (germline): Pathogenic. Review status: criteria provided, multiple submitters, no conflicts (2 of 4 stars). 5 submissions from 5 submitters: Pathogenic (5). Last evaluated 2025-09-13.

Conditions:
Hereditary cancer-predisposing syndrome. Also called: Neoplastic Syndromes, Hereditary; Tumor predisposition; Hereditary Cancer Syndrome; Hereditary neoplastic syndrome. Identifiers: Orphanet 140162, MedGen C0027672, MeSH D009386, MONDO:0015356.
Cardiovascular phenotype. Identifiers: MedGen CN230736.
Neurofibromatosis, type 1 (NF1). Also called: VON RECKLINGHAUSEN DISEASE; NEUROFIBROMATOSIS, TYPE I, SOMATIC; Peripheral type neurofibromatosis; Neurofibromatosis, type I. Identifiers: Orphanet 636, MedGen C0027831, MONDO:0018975, OMIM 162200. Disease mechanism: loss of function.

Submissions (6):

GeneDx
Classification: Pathogenic. Last evaluated: 2025-09-13. Review status: criteria provided, single submitter. Criteria: GeneDx Variant Classification Process June 2021. Collection method: clinical testing. Allele origin: germline. Affected: yes.
Comment: Canonical splice site variant predicted to result in a null allele in a gene for which loss of function is a known mechanism of disease; Not observed at significant frequency in large population cohorts (gnomAD); Also known as IVS14+2T>C; This variant is associated with the following publications: (PMID: 12687660, 23913538, 25525159)

Ambry Genetics
Classification: Pathogenic for Cardiovascular phenotype; Hereditary cancer-predisposing syndrome. Last evaluated: 2025-04-02. Review status: criteria provided, single submitter. Criteria: Ambry Variant Classification Scheme 2023. Collection method: clinical testing. Allele origin: germline.
Comment: The c.2325+2T>C intronic pathogenic mutation results from a T to C substitution two nucleotides after coding exon 19 in the NF1 gene. This variant was reported in individual(s) with features consistent with Neurofibromatosis type 1 (Origone P et al. Am J Med Genet A, 2003 May;118A:309-13; Sabbagh A et al. Hum Mutat, 2013 Nov;34:1510-8; Ambry internal data). This nucleotide position is highly conserved in available vertebrate species. In silico splice site analysis predicts that this alteration will weaken the native splice donor site. RNA studies have demonstrated that this alteration results in abnormal splicing in the set of samples tested (Ambry internal data). Other variant(s) impacting the same donor site (c.2325+1G>A) have been identified in individual(s) with features consistent with Neurofibromatosis type 1 (Nemethova M et al. Ann. Hum. Genet., 2013 Sep;77:364-79). This variant is considered to be rare based on population cohorts in the Genome Aggregation Database (gnomAD). Based on the supporting evidence, this variant is interpreted as a disease-causing mutation.

Quest Diagnostics Nichols Institute San Juan Capistrano
Classification: Pathogenic. Last evaluated: 2024-08-21. Review status: criteria provided, single submitter. Criteria: Quest Diagnostics criteria. Collection method: clinical testing. Allele origin: unknown.
Comment: The NF1 c.2325+2T>C variant disrupts a canonical splice-donor site and interferes with normal NF1 mRNA splicing. This variant has been reported in the published literature in an individual with neurofibromatosis 1 (PMID: 12687660 (2003)). Functional studies demonstrated that this variant disrupted mRNA splicing (PMID: 12687660 (2003)). This variant has not been reported in large, multi-ethnic general populations (Genome Aggregation Database). Based on the available information, this variant is classified as pathogenic.

Labcorp Genetics (formerly Invitae), Labcorp
Classification: Pathogenic for Neurofibromatosis, type 1. Last evaluated: 2022-06-15. Review status: criteria provided, single submitter. Criteria: Invitae Variant Classification Sherloc (09022015). Collection method: clinical testing. Allele origin: germline.
Comment: For these reasons, this variant has been classified as Pathogenic. Algorithms developed to predict the effect of sequence changes on RNA splicing suggest that this variant may disrupt the consensus splice site. ClinVar contains an entry for this variant (Variation ID: 561504). Disruption of this splice site has been observed in individuals with neurofibromatosis type 1 (PMID: 12687660, 23758643; Invitae). This variant is not present in population databases (gnomAD no frequency). This sequence change affects a donor splice site in intron 19 of the NF1 gene. It is expected to disrupt RNA splicing. Variants that disrupt the donor or acceptor splice site typically lead to a loss of protein function (PMID: 16199547), and loss-of-function variants in NF1 are known to be pathogenic (PMID: 10712197, 23913538).

Genome-Nilou Lab
Classification: Pathogenic for Neurofibromatosis, type 1. Last evaluated: 2022-03-15. Review status: criteria provided, single submitter. Criteria: ACMG Guidelines, 2015. Collection method: clinical testing. Allele origin: germline. Affected: no.

Dr. Peter K. Rogan Lab, Western University
No classification provided (evidence only). Condition: Thyroid cancer, nonmedullary, 1. Review status: no classification provided. Collection method: in vitro. Allele origin: not applicable. Functional consequence: retained intron. Not counted in ClinVar's aggregate classification.

Literature cited by the submitters: PubMed 12687660 (cited by 3 submitters); PubMed 23913538 (cited by Ambry Genetics and Labcorp Genetics (formerly Invitae), Labcorp); PubMed 23758643 (cited by Labcorp Genetics (formerly Invitae), Labcorp); PubMed 16199547 (cited by Labcorp Genetics (formerly Invitae), Labcorp); PubMed 10712197 (cited by Labcorp Genetics (formerly Invitae), Labcorp).

NM_001042492.3(NF1):c.2325+2T>C

Gene: NF1 (neurofibromin 1; plus strand). Cytogenetic location: 17q11.2.
Variant type: single nucleotide variant.
Coding change: c.2325+2T>C on transcript NM_001042492.3 (MANE Select); the canonical splice donor site of the intron after coding-DNA position 2325, T replaced by C.
Molecular consequence: splice donor variant.
Genome position (GRCh38, 1-based): chr17:31,227,293, T>C. VCF-style: chr17-31227293-T-C. GRCh37 (hg19) VCF-style: chr17-29554311-T-C.
Other names: c.2325+2T>C (NM_000267.4).
Identifiers: ClinVar variation 561504 (VCV000561504.12), dbSNP rs1567847972, ClinGen allele CA398982954.